The following is an entry in ClinVar:

ClinVar aggregate classification (germline): Pathogenic (1 of 4 stars; one submission).

Conditions:
Hypermethioninemia with deficiency of S-adenosylhomocysteine hydrolase. Identifiers: Orphanet 88618, MedGen C3151058, MONDO:0013404, OMIM 613752.

Submission:

Labcorp Genetics (formerly Invitae), Labcorp
Classification: Pathogenic for Hypermethioninemia with deficiency of S-adenosylhomocysteine hydrolase. Last evaluated: 2025-04-26. Review status: criteria provided, single submitter. Criteria: Invitae Variant Classification Sherloc (09022015). Collection method: clinical testing. Allele origin: germline.
Comment: This sequence change creates a premature translational stop signal (p.Arg49Alafs*8) in the AHCY gene. It is expected to result in an absent or disrupted protein product. Loss-of-function variants in AHCY are known to be pathogenic (PMID: 15024124, 20852937). This variant is present in population databases (rs772729103, gnomAD 0.003%). This variant has not been reported in the literature in individuals affected with AHCY-related conditions. ClinVar contains an entry for this variant (Variation ID: 2893172). For these reasons, this variant has been classified as Pathogenic.

Literature cited by the submitters: PubMed 15024124; PubMed 20852937.

NM_000687.4(AHCY):c.145del (p.Arg49fs)

Gene: AHCY (adenosylhomocysteinase; minus strand). Cytogenetic location: 20q11.22.
Variant type: Deletion.
Coding change: c.145del on transcript NM_000687.4 (MANE Select); coding-DNA position 145, one base deleted (C; older notation c.145delC).
Protein change: p.Arg49fs; shifts the reading frame from arginine 49.
Molecular consequence: frameshift variant.
Genome position (GRCh38, 1-based): chr20:34,295,469, G deleted on the plus strand (C on the coding strand, the reverse complement: AHCY is on the minus strand); the first of 3 consecutive G bases (chr20:34,295,469-34,295,471); deleting any one gives the same sequence. VCF-style (leftmost placement, unchanged base first): chr20-34295468-CG-C. GRCh37 (hg19) VCF-style: chr20-32883274-CG-C.
Other names: c.61del, p.Arg21fs (NM_001161766.2, NM_001322084.2, NM_001322085.2); c.151del, p.Arg51fs (NM_001322086.2); c.145del, p.Arg49fs (NM_001362750.2); short protein forms R21fs, R51fs, R49fs.
Identifiers: ClinVar variation 2893172 (VCV002893172.3), dbSNP rs772729103, ClinGen allele CA9821125.